The following is an entry in ClinVar:

NM_024884.3(L2HGDH):c.623A>G (p.Glu208Gly)

Gene: L2HGDH (L-2-hydroxyglutarate dehydrogenase; minus strand). Cytogenetic location: 14q21.3.
Variant type: single nucleotide variant.
Coding change: c.623A>G on transcript NM_024884.3 (MANE Select); coding-DNA position 623, A replaced by G.
Protein change: p.Glu208Gly; replaces glutamic acid 208 with glycine.
Molecular consequence: missense variant.
Genome position (GRCh38, 1-based): chr14:50,283,951, T>C on the plus strand (A>G on the coding strand, the complement: L2HGDH is on the minus strand). VCF-style: chr14-50283951-T-C. GRCh37 (hg19) VCF-style: chr14-50750669-T-C.
Other names: c.623A>G (NM_024884.2); short protein forms E208G.
Identifiers: ClinVar variation 1493458 (VCV001493458.9), dbSNP rs375493375, ClinGen allele CA260749911.
Genomic context (GRCh38, chr14:50,283,951, plus strand): 5'-CTTTCTTTAGCCATTTCAATACCTTTTACTTCAAAATTGGTCAAGACAGAGCCACCTGCT[T>C]CTTGGAAATCCTGGGCAAATGACAAAGCCACCTGCCGATAGTCCACAATGCCAGTATGTG-3'
Protein context (NP_079160.1, residues 198-218): VALSFAQDFQ[Glu208Gly]AGGSVLTNFE

ClinVar aggregate classification (germline): Uncertain significance. Review status: criteria provided, multiple submitters, no conflicts (2 of 4 stars). 2 submissions from 2 submitters: Uncertain significance (2). Last evaluated 2024-10-29.

Conditions:
Inborn genetic diseases. Identifiers: MedGen C0950123, MeSH D030342.
L-2-hydroxyglutaric aciduria (L2HGA). Identifiers: Orphanet 79314, MedGen C1855995, MONDO:0009370, OMIM 236792, HP:0040144.

Allele frequency attached by ClinVar (database versions not stated): gnomAD exomes 0.00001; gnomAD 0.00002; TOPMed 0.00002; ESP Exome Variant Server 0.00008.
gnomAD v4.1: 12 of 1,614,012 alleles (0.00074%); highest among the groups gnomAD compares: African/African-American, 0.0013%; no homozygotes.

Submissions (2):

Ambry Genetics
Classification: Uncertain significance for Inborn genetic diseases. Last evaluated: 2024-10-29. Review status: criteria provided, single submitter. Criteria: Ambry Variant Classification Scheme 2023. Collection method: clinical testing. Allele origin: germline.

Labcorp Genetics (formerly Invitae), Labcorp
Classification: Uncertain significance for L-2-hydroxyglutaric aciduria. Last evaluated: 2022-11-08. Review status: criteria provided, single submitter. Criteria: Invitae Variant Classification Sherloc (09022015). Collection method: clinical testing. Allele origin: germline.
Comment: This variant is present in population databases (rs375493375, gnomAD 0.0009%). In summary, the available evidence is currently insufficient to determine the role of this variant in disease. Therefore, it has been classified as a Variant of Uncertain Significance. Advanced modeling of protein sequence and biophysical properties (such as structural, functional, and spatial information, amino acid conservation, physicochemical variation, residue mobility, and thermodynamic stability) performed at Invitae indicates that this missense variant is not expected to disrupt L2HGDH protein function. ClinVar contains an entry for this variant (Variation ID: 1493458). This variant has not been reported in the literature in individuals affected with L2HGDH-related conditions. This sequence change replaces glutamic acid, which is acidic and polar, with glycine, which is neutral and non-polar, at codon 208 of the L2HGDH protein (p.Glu208Gly).